The following is an entry in ClinVar:

ClinVar aggregate classification (germline): Uncertain significance (1 of 4 stars; one submission).

Conditions:
Fanconi anemia (FA). Also called: Fanconi's anemia. Identifiers: Orphanet 84, MedGen C0015625, MeSH D005199, MONDO:0019391.

gnomAD v4.1: 3 of 1,552,058 alleles (0.00019%); highest among the groups gnomAD compares: Non-Finnish European, 0.00017%; no homozygotes.

Submission:

Labcorp Genetics (formerly Invitae), Labcorp
Classification: Uncertain significance for Fanconi anemia. Last evaluated: 2022-12-06. Review status: criteria provided, single submitter. Criteria: Invitae Variant Classification Sherloc (09022015). Collection method: clinical testing. Allele origin: germline.
Comment: This sequence change replaces alanine, which is neutral and non-polar, with aspartic acid, which is acidic and polar, at codon 635 of the SLX4 protein (p.Ala635Asp). This variant is not present in population databases (gnomAD no frequency). This variant has not been reported in the literature in individuals affected with SLX4-related conditions. Algorithms developed to predict the effect of missense changes on protein structure and function output the following: SIFT: "Tolerated"; PolyPhen-2: "Benign"; Align-GVGD: "Class C0". The aspartic acid amino acid residue is found in multiple mammalian species, which suggests that this missense change does not adversely affect protein function. In summary, the available evidence is currently insufficient to determine the role of this variant in disease. Therefore, it has been classified as a Variant of Uncertain Significance.

NM_032444.4(SLX4):c.1904C>A (p.Ala635Asp)

Gene: SLX4 (SLX4 structure-specific endonuclease subunit; minus strand). Cytogenetic location: 16p13.3.
Variant type: single nucleotide variant.
Coding change: c.1904C>A on transcript NM_032444.4 (MANE Select); coding-DNA position 1904, C replaced by A.
Protein change: p.Ala635Asp; replaces alanine 635 with aspartic acid.
Molecular consequence: missense variant.
Genome position (GRCh38, 1-based): chr16:3,596,173, G>T on the plus strand (C>A on the coding strand, the complement: SLX4 is on the minus strand). VCF-style: chr16-3596173-G-T. GRCh37 (hg19) VCF-style: chr16-3646174-G-T.
Other names: short protein forms A635D.
Identifiers: ClinVar variation 2721708 (VCV002721708.3), dbSNP rs746717279, ClinGen allele CA394526948.
Genomic context (GRCh38, chr16:3,596,173, plus strand): 5'-GAGGGCAGGGCTGGCCCTAGAGTCCCACCCAGCATCTCACCTGCAGTCCCTTCCGAGCCA[G>T]CCAGGCCCCCACTGCCGGGCCACGGGCTGGCGCTCAGTCCCTCCCTCGCCAGGTCCACGA-3'
Protein context (NP_115820.2, residues 625-645): ASPWPGSGGL[Ala635Asp]GSEGTAGLDV